The following is an entry in ClinVar:

ClinVar aggregate classification (germline): Likely benign. Review status: criteria provided, multiple submitters, no conflicts (2 of 4 stars). 8 submissions from 8 submitters: Likely benign (7). 1 of the submissions does not count toward it. Last evaluated 2026-08-01.

Conditions:
Congenital anemia. Identifiers: MedGen C0158995, MONDO:0000577.
Anemia, congenital dyserythropoietic, type 1a (CDAN1A). Also called: DYSERYTHROPOIETIC ANEMIA, CONGENITAL, TYPE Ia; CDAN1-Related Congenital Dyserythropoietic Anemia. Identifiers: MedGen C5574667, MONDO:0009135, OMIM 224120.
CDAN1-related disorder. Also called: CDAN1-related condition.
Congenital dyserythropoietic anemia, type I. Also called: Dyserythropoietic anemia, congenital type 1. Identifiers: Orphanet 98869, MedGen C0271933, MONDO:0020337. Disease mechanism: loss of function.

Allele frequency attached by ClinVar (database versions not stated): 1000 Genomes Project 30x 0.00156; 1000 Genomes Project 0.00200; ESP Exome Variant Server 0.00238; TOPMed 0.00270; gnomAD 0.00273 and 0.00296; gnomAD exomes 0.00309; ExAC 0.00328.
gnomAD v4.1: 5,458 of 1,614,176 alleles (0.34%); highest among the groups gnomAD compares: South Asian, 0.4%; 12 homozygotes.

Submissions (8):

CeGaT Center for Human Genetics Tuebingen
Classification: Likely benign. Last evaluated: 2026-08-01. Review status: criteria provided, single submitter. Criteria: CeGaT Center For Human Genetics Tuebingen Variant Classification Criteria Version 2. Collection method: clinical testing. Allele origin: germline. Affected: yes. Observed: 2 variant alleles.
Comment: CDAN1: BP4, BS2

Labcorp Genetics (formerly Invitae), Labcorp
Classification: Likely benign. Last evaluated: 2026-02-01. Review status: criteria provided, single submitter. Criteria: Invitae Variant Classification Sherloc (09022015). Collection method: clinical testing. Allele origin: germline.

ARUP Laboratories, Molecular Genetics and Genomics, ARUP Laboratories
Classification: Likely benign for Anemia, congenital dyserythropoietic, type 1a. Last evaluated: 2025-01-18. Review status: criteria provided, single submitter. Criteria: ARUP Molecular Germline Variant Investigation Process 2024. Collection method: clinical testing. Allele origin: germline.

Blueprint Genetics
Classification: Likely benign. Last evaluated: 2024-11-27. Review status: criteria provided, single submitter. Criteria: ACMG Guidelines, 2015. Collection method: clinical testing. Allele origin: germline.

Mayo Clinic Laboratories, Mayo Clinic
Classification: Likely benign. Last evaluated: 2024-02-29. Review status: criteria provided, single submitter. Criteria: ACMG Guidelines, 2015. Collection method: clinical testing. Allele origin: germline. Observed: 18 variant alleles.

Cambridge Genomics Laboratory, East Genomic Laboratory Hub, NHS Genomic Medicine Service
Classification: Likely benign for Congenital anemia. Last evaluated: 2019-08-21. Review status: criteria provided, single submitter. Criteria: ACGS Best Practice Guidelines for Variant Classification in Rare Disease 2020. Collection method: clinical testing. Allele origin: germline. Affected: yes. Observed: 1 variant allele.

Illumina Laboratory Services, Illumina
Classification: Likely benign for Anemia, congenital dyserythropoietic, type 1a. Last evaluated: 2018-01-12. Review status: criteria provided, single submitter. Criteria: ICSL Variant Classification Criteria 13 December 2019. Collection method: clinical testing. Allele origin: germline.
Comment: This variant was observed in the ICSL laboratory as part of a predisposition screen in an ostensibly healthy population. It had not been previously curated by ICSL or reported in the Human Gene Mutation Database (HGMD: prior to June 1st, 2018), and was therefore a candidate for classification through an automated scoring system. Utilizing variant allele frequency, disease prevalence and penetrance estimates, and inheritance mode, an automated score was calculated to assess if this variant is too frequent to cause the disease. Based on the score and internal cut-off values, a variant classified as likely benign is not then subjected to further curation. The score for this variant resulted in a classification of likely benign for this disease.

PreventionGenetics, part of Exact Sciences
Classification: Likely benign for CDAN1-related condition. Last evaluated: 2021-08-23. Review status: no assertion criteria provided. Collection method: clinical testing. Allele origin: germline. Not counted in ClinVar's aggregate classification.
Comment: This variant is classified as likely benign based on ACMG/AMP sequence variant interpretation guidelines (Richards et al. 2015 PMID: 25741868, with internal and published modifications).

NM_138477.4(CDAN1):c.1967C>G (p.Thr656Ser)

Gene: CDAN1 (codanin 1; minus strand). Cytogenetic location: 15q15.2.
Variant type: single nucleotide variant.
Coding change: c.1967C>G on transcript NM_138477.4 (MANE Select); coding-DNA position 1967, C replaced by G.
Protein change: p.Thr656Ser; replaces threonine 656 with serine.
Molecular consequence: missense variant.
Genome position (GRCh38, 1-based): chr15:42,730,965, G>C on the plus strand (C>G on the coding strand, the complement: CDAN1 is on the minus strand). VCF-style: chr15-42730965-G-C. GRCh37 (hg19) VCF-style: chr15-43023163-G-C.
Other names: p.Thr656Ser; c.1967C>G, p.Thr656Ser (LRG_1164t1); short protein forms T656S.
Identifiers: ClinVar variation 315943 (VCV000315943.51), dbSNP rs139202766, ClinGen allele CA7515870.